The following is an entry in ClinVar:

ClinVar aggregate classification (germline): Likely benign (1 of 4 stars; one submission).

Submission:

CeGaT Center for Human Genetics Tuebingen
Classification: Likely benign. Last evaluated: 2025-03-01. Review status: criteria provided, single submitter. Criteria: CeGaT Center For Human Genetics Tuebingen Variant Classification Criteria Version 2. Collection method: clinical testing. Allele origin: germline. Affected: yes. Observed: 1 variant allele.
Comment: SLC35A2: BP4, BS1

NM_001282648.2(SLC35A2):c.-2C>T

Gene: SLC35A2 (solute carrier family 35 member A2; minus strand). Cytogenetic location: Xp11.23.
Variant type: single nucleotide variant.
Coding change: c.-2C>T on transcript NM_001282648.2; 2 bases upstream of the start codon, C replaced by T.
Molecular consequence: 5 prime UTR variant.
Genome position (GRCh38, 1-based): chrX:48,911,879, G>A on the plus strand (C>T on the coding strand, the complement: SLC35A2 is on the minus strand). VCF-style: chrX-48911879-G-A. GRCh37 (hg19) VCF-style: chrX-48769156-G-A.
Identifiers: ClinVar variation 3778450 (VCV003778450.7).